The following is an entry in ClinVar:

NM_006269.2(RP1):c.392G>T (p.Arg131Leu)

Gene: RP1 (RP1 axonemal microtubule associated; plus strand). Cytogenetic location: 8q12.1.
Variant type: single nucleotide variant.
Coding change: c.392G>T on transcript NM_006269.2 (MANE Select); coding-DNA position 392, G replaced by T.
Protein change: p.Arg131Leu; replaces arginine 131 with leucine.
Molecular consequence: missense variant.
Genome position (GRCh38, 1-based): chr8:54,621,358, G>T. VCF-style: chr8-54621358-G-T. GRCh37 (hg19) VCF-style: chr8-55533918-G-T.
Other names: c.392G>T, p.Arg131Leu (NM_001375654.1); short protein forms R131L.
Identifiers: ClinVar variation 1044494 (VCV001044494.8), dbSNP rs752150870, ClinGen allele CA370986577.
Genomic context (GRCh38, chr8:54,621,358, plus strand): 5'-AGGTGCAGCCTGTAGACCTGGACAAAGCCCGTCGGCGCCCGCGGCCCTGGCTCAGCAGCC[G>T]GGCCATTAGCGCGCACTCACCGCCCCACCCCGTAGCCGTCGCTGCTCCCGGCATGCCCCG-3'
Protein context (NP_006260.1, residues 121-141): RRRPRPWLSS[Arg131Leu]AISAHSPPHP

ClinVar aggregate classification (germline): Uncertain significance (1 of 4 stars; one submission).

Allele frequency attached by ClinVar (database versions not stated): TOPMed 0.00001.
gnomAD v4.1: 12 of 1,611,612 alleles (0.00074%); highest among the groups gnomAD compares: Non-Finnish European, 0.001%; no homozygotes.

Submission:

Labcorp Genetics (formerly Invitae), Labcorp
Classification: Uncertain significance. Last evaluated: 2025-12-23. Review status: criteria provided, single submitter. Criteria: Invitae Variant Classification Sherloc (09022015). Collection method: clinical testing. Allele origin: germline.
Comment: This sequence change replaces arginine, which is basic and polar, with leucine, which is neutral and non-polar, at codon 131 of the RP1 protein (p.Arg131Leu). This variant is present in population databases (no rsID available, gnomAD 0.0009%). This variant has not been reported in the literature in individuals affected with RP1-related conditions. ClinVar contains an entry for this variant (Variation ID: 1044494). An algorithm developed to predict the effect of missense changes on protein structure and function outputs the following: PolyPhen-2: "Benign". The leucine amino acid residue is found in multiple mammalian species, which suggests that this missense change does not adversely affect protein function. In summary, the available evidence is currently insufficient to determine the role of this variant in disease. Therefore, it has been classified as a Variant of Uncertain Significance.